The following is an entry in ClinVar:

ClinVar aggregate classification (germline): Uncertain significance. Review status: criteria provided, multiple submitters, no conflicts (2 of 4 stars). 2 submissions from 2 submitters: Uncertain significance (2). Last evaluated 2025-10-09.

Allele frequency attached by ClinVar (database versions not stated): gnomAD exomes 0.00001; TOPMed 0.00001; ExAC 0.00002; 1000 Genomes Project 0.00020; 1000 Genomes Project 30x 0.00031; gnomAD 0.00001.
gnomAD v4.1: 5 of 1,611,814 alleles (0.00031%); highest among the groups gnomAD compares: Admixed American, 0.0083%; no homozygotes.

Submissions (2):

Labcorp Genetics (formerly Invitae), Labcorp
Classification: Uncertain significance. Last evaluated: 2025-10-09. Review status: criteria provided, single submitter. Criteria: Invitae Variant Classification Sherloc (09022015). Collection method: clinical testing. Allele origin: germline.
Comment: This sequence change replaces tyrosine, which is neutral and polar, with cysteine, which is neutral and slightly polar, at codon 64 of the IL6ST protein (p.Tyr64Cys). This variant is present in population databases (rs200651075, gnomAD 0.01%). This variant has not been reported in the literature in individuals affected with IL6ST-related conditions. ClinVar contains an entry for this variant (Variation ID: 2064040). An algorithm developed to predict the effect of missense changes on protein structure and function (PolyPhen-2) suggests that this variant is likely to be disruptive. In summary, the available evidence is currently insufficient to determine the role of this variant in disease. Therefore, it has been classified as a Variant of Uncertain Significance.

Ambry Genetics
Classification: Uncertain significance. Last evaluated: 2021-08-10. Review status: criteria provided, single submitter. Criteria: Ambry Variant Classification Scheme 2023. Collection method: clinical testing. Allele origin: germline.

NM_002184.4(IL6ST):c.191A>G (p.Tyr64Cys)

Gene: IL6ST (interleukin 6 cytokine family signal transducer; minus strand). Cytogenetic location: 5q11.2.
Variant type: single nucleotide variant.
Coding change: c.191A>G on transcript NM_002184.4 (MANE Select); coding-DNA position 191, A replaced by G.
Protein change: p.Tyr64Cys; replaces tyrosine 64 with cysteine.
Molecular consequence: missense variant. On other transcripts: 5 prime UTR variant (3), non-coding transcript variant (2), intron variant (1).
Genome position (GRCh38, 1-based): chr5:55,969,729, T>C on the plus strand (A>G on the coding strand, the complement: IL6ST is on the minus strand). VCF-style: chr5-55969729-T-C. GRCh37 (hg19) VCF-style: chr5-55265557-T-C.
Other names: c.191A>G, p.Tyr64Cys (NM_001190981.2, NM_001364275.2, NM_175767.3); c.-602A>G (NM_001364277.2, NM_001364279.2); c.-592A>G (NM_001364278.2); c.160+31A>G (NM_001364276.2); short protein forms Y64C.
Identifiers: ClinVar variation 2064040 (VCV002064040.5), dbSNP rs200651075, ClinGen allele CA3271754.